The following is an entry in ClinVar:

ClinVar aggregate classification (germline): Uncertain significance (1 of 4 stars; one submission).

Submission:

Labcorp Genetics (formerly Invitae), Labcorp
Classification: Uncertain significance. Last evaluated: 2022-12-24. Review status: criteria provided, single submitter. Criteria: Invitae Variant Classification Sherloc (09022015). Collection method: clinical testing. Allele origin: germline.
Comment: In summary, the available evidence is currently insufficient to determine the role of this variant in disease. Therefore, it has been classified as a Variant of Uncertain Significance. Algorithms developed to predict the effect of missense changes on protein structure and function are either unavailable or do not agree on the potential impact of this missense change (SIFT: "Not Available"; PolyPhen-2: "Probably Damaging"; Align-GVGD: "Not Available"). This sequence change replaces glycine, which is neutral and non-polar, with proline, which is neutral and non-polar, at codon 857 of the SNRNP200 protein (p.Gly857Pro). Information on the frequency of this variant in the gnomAD database is not available, as this variant may be reported differently in the database. This variant has not been reported in the literature in individuals affected with SNRNP200-related conditions.

NM_014014.5(SNRNP200):c.2569_2570inv (p.Gly857Pro)

Gene: SNRNP200 (small nuclear ribonucleoprotein U5 subunit 200; minus strand). Cytogenetic location: 2q11.2.
Variant type: Inversion.
Coding change: c.2569_2570inv on transcript NM_014014.5 (MANE Select).
Protein change: p.Gly857Pro; replaces glycine 857 with proline.
Molecular consequence: missense variant.
Genome position: GRCh38 VCF-style: chr2-96290498-CC-GG. GRCh37 (hg19) VCF-style: chr2-96956236-CC-GG.
Other names: short protein forms G857P.
Identifiers: ClinVar variation 2823951 (VCV002823951.3), ClinGen allele CA2739271155.